The following is an entry in ClinVar:

ClinVar aggregate classification (germline): Uncertain significance. Review status: criteria provided, multiple submitters, no conflicts (2 of 4 stars). 2 submissions from 2 submitters: Uncertain significance (2). Last evaluated 2026-08-05.

Conditions:
BBS10-related disorder. Also called: BBS10-related condition.
Bardet-Biedl syndrome (BBS). Identifiers: Orphanet 110, MedGen C0752166, MONDO:0015229.

Allele frequency attached by ClinVar (database versions not stated): gnomAD exomes below 0.00001.

Submissions (2):

PreventionGenetics, part of Exact Sciences
Classification: Uncertain significance for BBS10-related condition. Last evaluated: 2026-08-05. Review status: criteria provided, single submitter. Criteria: ACMG Guidelines, 2015. Collection method: clinical testing. Allele origin: germline.
Comment: The BBS10 c.2091A>C variant is predicted to result in the amino acid substitution p.Lys697Asn. To our knowledge, this variant has not been reported in the literature or in a large population database (gnomAD), indicating this variant is rare. At this time, the clinical significance of this variant is uncertain due to the absence of conclusive functional and genetic evidence.

Labcorp Genetics (formerly Invitae), Labcorp
Classification: Uncertain significance for Bardet-Biedl syndrome. Last evaluated: 2021-08-26. Review status: criteria provided, single submitter. Criteria: Invitae Variant Classification Sherloc (09022015). Collection method: clinical testing. Allele origin: germline.
Comment: This sequence change replaces lysine with asparagine at codon 697 of the BBS10 protein (p.Lys697Asn). The lysine residue is highly conserved and there is a moderate physicochemical difference between lysine and asparagine. This variant is not present in population databases (ExAC no frequency). This variant has not been reported in the literature in individuals affected with BBS10-related conditions. Algorithms developed to predict the effect of missense changes on protein structure and function output the following: SIFT: "Tolerated"; PolyPhen-2: "Benign"; Align-GVGD: "Class C0". The asparagine amino acid residue is found in multiple mammalian species, which suggests that this missense change does not adversely affect protein function. In summary, the available evidence is currently insufficient to determine the role of this variant in disease. Therefore, it has been classified as a Variant of Uncertain Significance.

NM_024685.4(BBS10):c.2091A>C (p.Lys697Asn)

Gene: BBS10 (Bardet-Biedl syndrome 10; minus strand). Cytogenetic location: 12q21.2.
Variant type: single nucleotide variant.
Coding change: c.2091A>C on transcript NM_024685.4 (MANE Select); coding-DNA position 2091, A replaced by C.
Protein change: p.Lys697Asn; replaces lysine 697 with asparagine.
Molecular consequence: missense variant.
Genome position (GRCh38, 1-based): chr12:76,345,894, T>G on the plus strand (A>C on the coding strand, the complement: BBS10 is on the minus strand). VCF-style: chr12-76345894-T-G. GRCh37 (hg19) VCF-style: chr12-76739674-T-G.
Other names: short protein forms K697N.
Identifiers: ClinVar variation 860011 (VCV000860011.8), dbSNP rs1565809262, ClinGen allele CA385808330.